The following is an entry in ClinVar:

ClinVar aggregate classification (germline): Likely pathogenic. Review status: criteria provided, single submitter (1 of 4 stars). 2 submissions from 2 submitters: Likely pathogenic (1). 1 of the submissions does not count toward it. Last evaluated 2025-05-16.

Conditions:
Birk-Barel syndrome. Also called: MENTAL RETARDATION WITH HYPOTONIA AND FACIAL DYSMORPHISM; KCNK9 Imprinting Syndrome. Identifiers: Orphanet 166108, MedGen C2676770, MONDO:0012856, OMIM 612292.

Submissions (2):

3billion
Classification: Likely pathogenic for Birk-Barel syndrome. Last evaluated: 2025-05-16. Review status: criteria provided, single submitter. Criteria: ACMG Guidelines, 2015. Collection method: clinical testing. Allele origin: germline. Affected: yes.
Comment: The variant is not observed in the gnomAD v4.1.0 dataset. Predicted Consequence/Location: Missense variant. Missense changes are a common disease-causing mechanism. Damaging effect on gene or gene product predicted by in silico programs is uncertain [REVEL: 0.55 (damaging >=0.6, benign <0.4), 3Cnet: 0.18 (damaging >0.75, benign <0.1)]. The different nucleotide change resulting in the same amino acid change has been previously reported as pathogenic/likely pathogenic with strong evidence (ClinVar ID: VCV000004741 /PMID: 27151206). The variant has been previously reported as assumed (i.e. paternity and maternity not confirmed) de novo in at least one similarly affected unrelated individual (PMID: 27151206). Therefore, this variant is classified as Likely pathogenic according to the recommendation of ACMG/AMP guideline.

GeneReviews
Classification: Pathogenic for Birk-Barel syndrome. Last evaluated: 2016-12-12. Review status: no assertion criteria provided. Collection method: literature only. Allele origin: germline. Not counted in ClinVar's aggregate classification.

Literature cited by the submitters: PubMed 27151206 (cited by 3billion); PubMed 18678320 (cited by GeneReviews).

NM_001282534.2(KCNK9):c.706G>C (p.Gly236Arg)

Gene: KCNK9 (potassium two pore domain channel subfamily K member 9; minus strand). Cytogenetic location: 8q24.3.
Variant type: single nucleotide variant.
Coding change: c.706G>C on transcript NM_001282534.2 (MANE Select); coding-DNA position 706, G replaced by C.
Protein change: p.Gly236Arg; replaces glycine 236 with arginine.
Molecular consequence: missense variant. On other transcripts: non-coding transcript variant (1).
Genome position (GRCh38, 1-based): chr8:139,618,677, C>G on the plus strand (G>C on the coding strand, the complement: KCNK9 is on the minus strand). VCF-style: chr8-139618677-C-G. GRCh37 (hg19) VCF-style: chr8-140630920-C-G.
Other names: short protein forms G236R.
Identifiers: ClinVar variation 397636 (VCV000397636.3), dbSNP rs121908332, ClinGen allele CA16609476.